The following is an entry in ClinVar:

ClinVar aggregate classification (germline): Uncertain significance (1 of 4 stars; one submission).

Conditions:
Capillary malformation-arteriovenous malformation syndrome. Also called: Capillary malformation-arteriovenous malformation. Identifiers: Orphanet 137667, MedGen C1842180, MONDO:0012016.

Allele frequency attached by ClinVar (database versions not stated): gnomAD exomes below 0.00001.
gnomAD v4.1: 2 of 1,589,622 alleles (0.00013%); highest among the groups gnomAD compares: Non-Finnish European, 0.00017%; no homozygotes.

Submission:

Labcorp Genetics (formerly Invitae), Labcorp
Classification: Uncertain significance for Capillary malformation-arteriovenous malformation syndrome. Last evaluated: 2022-03-26. Review status: criteria provided, single submitter. Criteria: Invitae Variant Classification Sherloc (09022015). Collection method: clinical testing. Allele origin: germline.
Comment: In summary, the available evidence is currently insufficient to determine the role of this variant in disease. Therefore, it has been classified as a Variant of Uncertain Significance. Algorithms developed to predict the effect of missense changes on protein structure and function (SIFT, PolyPhen-2, Align-GVGD) all suggest that this variant is likely to be tolerated. This variant has not been reported in the literature in individuals affected with RASA1-related conditions. This variant is not present in population databases (gnomAD no frequency). This sequence change replaces glutamine, which is neutral and polar, with glutamic acid, which is acidic and polar, at codon 446 of the RASA1 protein (p.Gln446Glu).

NM_002890.3(RASA1):c.1336C>G (p.Gln446Glu)

Genes: CCNH (cyclin H; minus strand), RASA1 (RAS p21 protein activator 1; plus strand). Cytogenetic location: 5q14.3.
Variant type: single nucleotide variant.
Coding change: c.1336C>G on transcript NM_002890.3 (MANE Select); coding-DNA position 1336, C replaced by G.
Protein change: p.Gln446Glu; replaces glutamine 446 with glutamic acid.
Molecular consequence: missense variant. On other transcripts: intron variant (1).
Genome position (GRCh38, 1-based): chr5:87,362,554, C>G. VCF-style: chr5-87362554-C-G. GRCh37 (hg19) VCF-style: chr5-86658371-C-G.
Other names: c.805C>G, p.Gln269Glu (NM_022650.3); c.933+32490G>C (NM_001364075.2); short protein forms Q269E, Q446E.
Identifiers: ClinVar variation 1366771 (VCV001366771.6), dbSNP rs2112456363, ClinGen allele CA360367226.